The following is an entry in ClinVar:

ClinVar aggregate classification (germline): Likely pathogenic (1 of 4 stars; one submission).

Conditions:
Neurodegeneration with brain iron accumulation 9 (NBIA9). Identifiers: MedGen C5882740, MONDO:0958012, OMIM 620669.

Submission:

Genetics Research Center, University of Social Welfare and Rehabilitation Sciences
Classification: Likely pathogenic for Neurodegeneration with brain iron accumulation 9. Review status: criteria provided, single submitter. Criteria: ACMG Guidelines, 2015. Collection method: clinical testing. Allele origin: germline. Inheritance: Autosomal dominant inheritance. Affected: yes.
Comment: The c.465_466insG​(p.Leu156ValfsTer17) variant causes a frameshift change involving the alteration of a non-conserved nucleotide. The variant was absent in control chromosomes in GnomAD project. The variant co-segregated within the family. Overall, the variant meets PVS1, PM2, and PP1 ACMG criteria.

Literature cited by the submitters: PubMed 42329415.

NM_002032.3(FTH1):c.465_466insG (p.Leu156fs)

Genes: BEST1 (bestrophin 1; plus strand), FTH1 (ferritin heavy chain 1; minus strand). Cytogenetic location: 11q12.3.
Variant type: Insertion.
Coding change: c.465_466insG on transcript NM_002032.3 (MANE Select); coding-DNA positions 465 to 466, G inserted.
Protein change: p.Leu156fs; shifts the reading frame from leucine 156.
Molecular consequence: frameshift variant.
Genome position: GRCh38 VCF-style: chr11-61964813-A-AC. GRCh37 (hg19) VCF-style: chr11-61732285-A-AC.
Other names: short protein forms L156fs.
Identifiers: ClinVar variation 4857033 (VCV004857033.1).